The following is an entry in ClinVar:

ClinVar aggregate classification (germline): Uncertain significance. Review status: criteria provided, multiple submitters, no conflicts (2 of 4 stars). 2 submissions from 2 submitters: Uncertain significance (2). Last evaluated 2025-12-22.

Conditions:
Inborn genetic diseases. Identifiers: MedGen C0950123, MeSH D030342.

gnomAD v4.1: 35 of 1,612,716 alleles (0.0022%); highest among the groups gnomAD compares: Non-Finnish European, 0.0028%; no homozygotes.

Submissions (2):

Ambry Genetics
Classification: Uncertain significance for Inborn genetic diseases. Last evaluated: 2025-12-22. Review status: criteria provided, single submitter. Criteria: Ambry Variant Classification Scheme 2023. Collection method: clinical testing. Allele origin: germline.

Labcorp Genetics (formerly Invitae), Labcorp
Classification: Uncertain significance. Last evaluated: 2025-11-19. Review status: criteria provided, single submitter. Criteria: Invitae Variant Classification Sherloc (09022015). Collection method: clinical testing. Allele origin: germline.
Comment: This sequence change replaces arginine, which is basic and polar, with cysteine, which is neutral and slightly polar, at codon 1290 of the MYH3 protein (p.Arg1290Cys). This variant is present in population databases (no rsID available, gnomAD 0.0009%). This variant has not been reported in the literature in individuals affected with MYH3-related conditions. ClinVar contains an entry for this variant (Variation ID: 3669020). Invitae Evidence Modeling of protein sequence and biophysical properties (such as structural, functional, and spatial information, amino acid conservation, physicochemical variation, residue mobility, and thermodynamic stability) has been performed for this missense variant. However, the output from this modeling did not meet the statistical confidence thresholds required to predict the impact of this variant on MYH3 protein function. In summary, the available evidence is currently insufficient to determine the role of this variant in disease. Therefore, it has been classified as a Variant of Uncertain Significance.

NM_002470.4(MYH3):c.3868C>T (p.Arg1290Cys)

Gene: MYH3 (myosin heavy chain 3; minus strand). Cytogenetic location: 17p13.1.
Variant type: single nucleotide variant.
Coding change: c.3868C>T on transcript NM_002470.4 (MANE Select); coding-DNA position 3868, C replaced by T.
Protein change: p.Arg1290Cys; replaces arginine 1290 with cysteine.
Molecular consequence: missense variant.
Genome position (GRCh38, 1-based): chr17:10,635,842, G>A on the plus strand (C>T on the coding strand, the complement: MYH3 is on the minus strand). VCF-style: chr17-10635842-G-A. GRCh37 (hg19) VCF-style: chr17-10539159-G-A.
Other names: c.3868C>T (NM_002470.3); short protein forms R1290C.
Identifiers: ClinVar variation 3669020 (VCV003669020.3).
Genomic context (GRCh38, chr17:10,635,842, plus strand): 5'-TAAAGGCTTGCTTGCTCCTGGAAAGTTGGGATACTATGCTTTCTTTTTCTTCCAGCTGAC[G>A]ACTCAGCTCACCTGTGTCCAGAAGGAAATAGTTTCATTTCATTTATTCACTCATTCACTC-3'
Protein context (NP_002461.2, residues 1280-1300): RLQTEAGELS[Arg1290Cys]QLEEKESIVS